The following is an entry in ClinVar:

NM_000179.3(MSH6):c.3532G>C (p.Gly1178Arg)

Gene: MSH6 (mutS homolog 6; plus strand). Cytogenetic location: 2p16.3.
Variant type: single nucleotide variant.
Coding change: c.3532G>C on transcript NM_000179.3 (MANE Select); coding-DNA position 3532, G replaced by C.
Protein change: p.Gly1178Arg; replaces glycine 1178 with arginine.
Molecular consequence: missense variant.
Genome position (GRCh38, 1-based): chr2:47,805,003, G>C. VCF-style: chr2-47805003-G-C. GRCh37 (hg19) VCF-style: chr2-48032142-G-C.
Other names: c.3142G>C, p.Gly1048Arg (NM_001281492.2); c.2626G>C, p.Gly876Arg (NM_001281493.2, NM_001281494.2); short protein forms G876R, G1178R, G1048R.
Identifiers: ClinVar variation 653184 (VCV000653184.13), dbSNP rs1558389590, ClinGen allele CA346760232.

ClinVar aggregate classification (germline): Uncertain significance. Review status: criteria provided, multiple submitters, no conflicts (2 of 4 stars). 3 submissions from 3 submitters: Uncertain significance (3). Last evaluated 2026-06-16.

Conditions:
Hereditary nonpolyposis colorectal neoplasms. Identifiers: MedGen C0009405, MeSH D003123.
Hereditary cancer-predisposing syndrome. Also called: Neoplastic Syndromes, Hereditary; Hereditary Cancer Syndrome; Hereditary neoplastic syndrome; Tumor predisposition. Identifiers: Orphanet 140162, MedGen C0027672, MeSH D009386, MONDO:0015356.
Endometrial carcinoma. Also called: Endometrial carcinoma, somatic. Identifiers: MedGen C0476089, MONDO:0002447, OMIM 608089, HP:0012114.

Allele frequency attached by ClinVar (database versions not stated): gnomAD exomes below 0.00001.
gnomAD v4.1: 1 of 1,613,594 alleles (0.000062%); highest among the groups gnomAD compares: Non-Finnish European, 0.000085%; no homozygotes.

Submissions (3):

Ambry Genetics
Classification: Uncertain significance for Hereditary cancer-predisposing syndrome. Last evaluated: 2026-06-16. Review status: criteria provided, single submitter. Criteria: Ambry Variant Classification Scheme 2023. Collection method: clinical testing. Allele origin: germline.
Comment: The p.G1178R variant (also known as c.3532G>C), located in coding exon 6 of the MSH6 gene, results from a G to C substitution at nucleotide position 3532. The glycine at codon 1178 is replaced by arginine, an amino acid with dissimilar properties. This amino acid position is conserved. In addition, this alteration is predicted to be deleterious by in silico analysis. Based on the available evidence, the clinical significance of this variant remains unclear.

Labcorp Genetics (formerly Invitae), Labcorp
Classification: Uncertain significance for Hereditary nonpolyposis colorectal neoplasms. Last evaluated: 2024-12-24. Review status: criteria provided, single submitter. Criteria: Invitae Variant Classification Sherloc (09022015). Collection method: clinical testing. Allele origin: germline.
Comment: This sequence change replaces glycine, which is neutral and non-polar, with arginine, which is basic and polar, at codon 1178 of the MSH6 protein (p.Gly1178Arg). This variant is not present in population databases (gnomAD no frequency). This variant has not been reported in the literature in individuals affected with MSH6-related conditions. ClinVar contains an entry for this variant (Variation ID: 653184). Invitae Evidence Modeling of protein sequence and biophysical properties (such as structural, functional, and spatial information, amino acid conservation, physicochemical variation, residue mobility, and thermodynamic stability) indicates that this missense variant is expected to disrupt MSH6 protein function with a positive predictive value of 80%. In summary, the available evidence is currently insufficient to determine the role of this variant in disease. Therefore, it has been classified as a Variant of Uncertain Significance.

Baylor Genetics
Classification: Uncertain significance for Endometrial carcinoma. Last evaluated: 2023-08-14. Review status: criteria provided, single submitter. Criteria: ACMG Guidelines, 2015. Collection method: clinical testing. Allele origin: unknown.